The following is an entry in ClinVar:

ClinVar aggregate classification (germline): Uncertain significance (1 of 4 stars; one submission).

Conditions:
Anemia, nonspherocytic hemolytic, due to G6PD deficiency (CNSHA1). Also called: Hemolytic anemia due to G6PD deficiency; Class I glucose-6-phosphate dehydrogenase deficiency; Favism, susceptibility to; ANEMIA, CONGENITAL, NONSPHEROCYTIC HEMOLYTIC, 1. Identifiers: Orphanet 466026, MedGen C2720289, MONDO:0010480, OMIM 300908.

gnomAD v4.1: 4 of 1,210,006 alleles (0.00033%); highest among the groups gnomAD compares: Admixed American, 0.0087%; no homozygotes.

Submission:

Labcorp Genetics (formerly Invitae), Labcorp
Classification: Uncertain significance for Anemia, nonspherocytic hemolytic, due to G6PD deficiency. Last evaluated: 2025-11-19. Review status: criteria provided, single submitter. Criteria: Invitae Variant Classification Sherloc (09022015). Collection method: clinical testing. Allele origin: germline.
Comment: This sequence change replaces valine, which is neutral and non-polar, with isoleucine, which is neutral and non-polar, at codon 146 of the G6PD protein (p.Val146Ile). This variant is present in population databases (no rsID available, gnomAD 0.01%). This variant has not been reported in the literature in individuals affected with G6PD-related conditions. Invitae Evidence Modeling of protein sequence and biophysical properties (such as structural, functional, and spatial information, amino acid conservation, physicochemical variation, residue mobility, and thermodynamic stability) indicates that this missense variant is expected to disrupt G6PD protein function with a positive predictive value of 95%. In summary, the available evidence is currently insufficient to determine the role of this variant in disease. Therefore, it has been classified as a Variant of Uncertain Significance.

NM_001360016.2(G6PD):c.436G>A (p.Val146Ile)

Gene: G6PD (glucose-6-phosphate dehydrogenase; minus strand). Cytogenetic location: Xq28.
Variant type: single nucleotide variant.
Coding change: c.436G>A on transcript NM_001360016.2 (MANE Select); coding-DNA position 436, G replaced by A.
Protein change: p.Val146Ile; replaces valine 146 with isoleucine.
Molecular consequence: missense variant.
Genome position (GRCh38, 1-based): chrX:154,535,217, C>T on the plus strand (G>A on the coding strand, the complement: G6PD is on the minus strand). VCF-style: chrX-154535217-C-T. GRCh37 (hg19) VCF-style: chrX-153763432-C-T.
Other names: c.526G>A, p.Val176Ile (NM_000402.4); c.436G>A, p.Val146Ile (NM_001042351.3); short protein forms V176I, V146I.
Identifiers: ClinVar variation 4736932 (VCV004736932.1).